The following is an entry in ClinVar:

NM_006231.4(POLE):c.1227-8C>T

Gene: POLE (DNA polymerase epsilon, catalytic subunit; minus strand). Cytogenetic location: 12q24.33.
Variant type: single nucleotide variant.
Coding change: c.1227-8C>T on transcript NM_006231.4 (MANE Select); 8 bases into the intron before coding-DNA position 1227, C replaced by T.
Molecular consequence: intron variant.
Genome position (GRCh38, 1-based): chr12:132,673,715, G>A on the plus strand (C>T on the coding strand, the complement: POLE is on the minus strand). VCF-style: chr12-132673715-G-A. GRCh37 (hg19) VCF-style: chr12-133250301-G-A.
Identifiers: ClinVar variation 240382 (VCV000240382.18), dbSNP rs537816213, ClinGen allele CA6894024.
Genomic context (GRCh38, chr12:132,673,715, plus strand): 5'-CCGCCTTGAGATTATGACTGCCCACAGGAAGGTAACTGTCCCTCTTCACCCACCTGGAAG[G>A]AGAATGAGAACAGAAGCCAGGATGATTCTAACATGCAGCCCGGGAACCCCTGAGAACTGG-3'

ClinVar aggregate classification (germline): Likely benign. Review status: criteria provided, multiple submitters, no conflicts (2 of 4 stars). 6 submissions from 6 submitters: Likely benign (5). 1 of the submissions does not count toward it. Last evaluated 2025-10-14.

Conditions:
POLE-related disorder. Also called: POLE-related disorders; POLE-related condition.
Hereditary cancer-predisposing syndrome. Also called: Tumor predisposition; Neoplastic Syndromes, Hereditary; Hereditary Cancer Syndrome; Hereditary neoplastic syndrome. Identifiers: Orphanet 140162, MedGen C0027672, MeSH D009386, MONDO:0015356.
Colorectal cancer, susceptibility to, 12 (CRCS12). Also called: COLORECTAL CANCER, SUSCEPTIBILITY TO, ON CHROMOSOME 12q24. Identifiers: Orphanet 220460, MedGen C3554460, MONDO:0014038, OMIM 615083.

Allele frequency attached by ClinVar (database versions not stated): TOPMed below 0.00001; gnomAD 0.00001; gnomAD exomes 0.00002 and 0.00003; ExAC 0.00003; 1000 Genomes Project 30x 0.00016; 1000 Genomes Project 0.00020.
gnomAD v4.1: 40 of 1,613,224 alleles (0.0025%); highest among the groups gnomAD compares: South Asian, 0.012%; no homozygotes.

Submissions (6):

Labcorp Genetics (formerly Invitae), Labcorp
Classification: Likely benign. Last evaluated: 2025-10-14. Review status: criteria provided, single submitter. Criteria: Invitae Variant Classification Sherloc (09022015). Collection method: clinical testing. Allele origin: germline.

Myriad Genetics, Inc.
Classification: Likely benign for Colorectal cancer, susceptibility to, 12. Last evaluated: 2025-02-10. Review status: criteria provided, single submitter. Criteria: Myriad Autosomal Dominant, Autosomal Recessive and X-Linked Classification Criteria (2023). Collection method: clinical testing. Allele origin: unknown.
Comment: This variant is considered likely benign. This variant is intronic and is not expected to impact mRNA splicing.

Sema4
Classification: Likely benign for Hereditary cancer-predisposing syndrome. Last evaluated: 2020-10-02. Review status: criteria provided, single submitter. Criteria: Sema4 Curation Guidelines. Collection method: curation. Allele origin: germline.

Quest Diagnostics Nichols Institute San Juan Capistrano
Classification: Likely benign. Last evaluated: 2017-09-15. Review status: criteria provided, single submitter. Criteria: Quest Diagnostics criteria. Collection method: clinical testing. Allele origin: germline.

GeneDx
Classification: Likely benign. Last evaluated: 2015-12-09. Review status: criteria provided, single submitter. Criteria: GeneDx Variant Classification (06012015). Collection method: clinical testing. Allele origin: germline. Affected: yes.
Comment: This variant is considered likely benign or benign based on one or more of the following criteria: it is a conservative change, it occurs at a poorly conserved position in the protein, it is predicted to be benign by multiple in silico algorithms, and/or has population frequency not consistent with disease.

PreventionGenetics, part of Exact Sciences
Classification: Likely benign for POLE-related condition. Last evaluated: 2023-06-08. Review status: no assertion criteria provided. Collection method: clinical testing. Allele origin: germline. Not counted in ClinVar's aggregate classification.
Comment: This variant is classified as likely benign based on ACMG/AMP sequence variant interpretation guidelines (Richards et al. 2015 PMID: 25741868, with internal and published modifications).